The following is an entry in ClinVar:

ClinVar aggregate classification (germline): Likely pathogenic (1 of 4 stars; one submission).

Conditions:
Developmental and epileptic encephalopathy, 18 (DEE18). Also called: Early infantile epileptic encephalopathy 18. Identifiers: Orphanet 369894, MedGen C3809624, MONDO:0014201, OMIM 615476.

Submission:

Illumina Laboratory Services, Illumina
Classification: Likely pathogenic for Developmental and epileptic encephalopathy, 18. Last evaluated: 2018-11-14. Review status: criteria provided, single submitter. Criteria: ICSLVariantClassificationCriteria RUGD 01 April 2020. Collection method: clinical testing. Allele origin: unknown.
Comment: The SZT2 c.4528delC p.(Leu1510CysfsTer43) variant causes a shift in the protein reading frame that is predicted to result in premature termination of the protein. Loss of normal protein function through either protein truncation or nonsense-mediated mRNA decay is expected. To our knowledge, this variant has not been reported in the peer-reviewed literature. This variant is not observed in version 2.1.1 of the Genome Aggregation Database. Based on the available evidence the c.4528delC p.(Leu1510CysfsTer43) variant is classified as likely pathogenic for developmental and epileptic encephalopathy.

NM_001365999.1(SZT2):c.4699del (p.Leu1567fs)

Gene: SZT2 (SZT2 subunit of KICSTOR complex; plus strand). Cytogenetic location: 1p34.2.
Variant type: Deletion.
Coding change: c.4699del on transcript NM_001365999.1 (MANE Select); coding-DNA position 4699, one base deleted (C; older notation c.4699delC).
Protein change: p.Leu1567fs; shifts the reading frame from leucine 1567.
Molecular consequence: frameshift variant.
Genome position (GRCh38, 1-based): chr1:43,430,714, C deleted; the last of 2 consecutive C bases (chr1:43,430,713-43,430,714); deleting either gives the same sequence. VCF-style (leftmost placement, unchanged base first): chr1-43430712-TC-T. GRCh37 (hg19) VCF-style: chr1-43896383-TC-T.
Other names: c.4528del, p.Leu1510fs (NM_015284.4); short protein forms L1510fs, L1567fs.
Identifiers: ClinVar variation 3062045 (VCV003062045.1), dbSNP rs2545827197, ClinGen allele CA2740090676.